The following is an entry in ClinVar:

ClinVar aggregate classification (germline): Uncertain significance (1 of 4 stars; one submission).

Conditions:
Hereditary cancer-predisposing syndrome. Also called: Neoplastic Syndromes, Hereditary; Hereditary neoplastic syndrome; Tumor predisposition; Hereditary Cancer Syndrome. Identifiers: Orphanet 140162, MedGen C0027672, MeSH D009386, MONDO:0015356.

Submission:

Ambry Genetics
Classification: Uncertain significance for Hereditary cancer-predisposing syndrome. Last evaluated: 2026-02-06. Review status: criteria provided, single submitter. Criteria: Ambry Variant Classification Scheme 2023. Collection method: clinical testing. Allele origin: germline.
Comment: The p.S2142F variant (also known as c.6425C>T), located in coding exon 10 of the BRCA2 gene, results from a C to T substitution at nucleotide position 6425. The serine at codon 2142 is replaced by phenylalanine, an amino acid with highly dissimilar properties. This amino acid position is well conserved in available vertebrate species. In addition, the in silico prediction for this alteration is inconclusive. Based on the available evidence, the clinical significance of this variant remains unclear.

NM_000059.4(BRCA2):c.6425C>T (p.Ser2142Phe)

Gene: BRCA2 (BRCA2 DNA repair associated; plus strand). Cytogenetic location: 13q13.1.
Variant type: single nucleotide variant.
Coding change: c.6425C>T on transcript NM_000059.4 (MANE Select); coding-DNA position 6425, C replaced by T.
Protein change: p.Ser2142Phe; replaces serine 2142 with phenylalanine.
Molecular consequence: missense variant. On other transcripts: non-coding transcript variant (1), intron variant (2).
Genome position (GRCh38, 1-based): chr13:32,340,780, C>T. VCF-style: chr13-32340780-C-T. GRCh37 (hg19) VCF-style: chr13-32914917-C-T.
Other names: c.6425C>T, p.Ser2142Phe (NM_001406719.1, NM_001406720.1, NM_001432077.1); c.1910-3778C>T (NM_001406721.1); c.425-3778C>T (NM_001406722.1); short protein forms S2142F.
Identifiers: ClinVar variation 4824528 (VCV004824528.1).